The following is an entry in ClinVar:

NM_000195.5(HPS1):c.1714G>A (p.Gly572Arg)

Gene: HPS1 (HPS1 biogenesis of lysosomal organelles complex 3 subunit 1; minus strand). Cytogenetic location: 10q24.2.
Variant type: single nucleotide variant.
Coding change: c.1714G>A on transcript NM_000195.5 (MANE Select); coding-DNA position 1714, G replaced by A.
Protein change: p.Gly572Arg; replaces glycine 572 with arginine.
Molecular consequence: missense variant.
Genome position (GRCh38, 1-based): chr10:98,422,398, C>T on the plus strand (G>A on the coding strand, the complement: HPS1 is on the minus strand). VCF-style: chr10-98422398-C-T. GRCh37 (hg19) VCF-style: chr10-100182155-C-T.
Other names: c.742G>A, p.Gly248Arg (NM_001311345.2, NM_001322487.2, NM_001322489.2); c.1714G>A, p.Gly572Arg (NM_001322476.2, NM_001322477.2); c.1615G>A, p.Gly539Arg (NM_001322478.2, NM_001322479.2); c.1453G>A, p.Gly485Arg (NM_001322480.2, NM_001322481.2); c.1354G>A, p.Gly452Arg (NM_001322482.2); c.1345G>A, p.Gly449Arg (NM_001322483.2, NM_001322484.2); c.1246G>A, p.Gly416Arg (NM_001322485.2); short protein forms G452R, G416R, G248R, G485R, G572R, G449R, G539R.
Identifiers: ClinVar variation 2147189 (VCV002147189.1), dbSNP rs756794900, ClinGen allele CA5638915.

ClinVar aggregate classification (germline): Uncertain significance (1 of 4 stars; one submission).

Allele frequency attached by ClinVar (database versions not stated): gnomAD 0.00001; gnomAD exomes 0.00001; ExAC 0.00003.

Submission:

Labcorp Genetics (formerly Invitae), Labcorp
Classification: Uncertain significance. Last evaluated: 2021-12-19. Review status: criteria provided, single submitter. Criteria: Invitae Variant Classification Sherloc (09022015). Collection method: clinical testing. Allele origin: germline.
Comment: This sequence change replaces glycine, which is neutral and non-polar, with arginine, which is basic and polar, at codon 572 of the HPS1 protein (p.Gly572Arg). This variant is present in population databases (rs756794900, gnomAD 0.01%). This variant has not been reported in the literature in individuals affected with HPS1-related conditions. Algorithms developed to predict the effect of missense changes on protein structure and function are either unavailable or do not agree on the potential impact of this missense change (SIFT: "Deleterious"; PolyPhen-2: "Probably Damaging"; Align-GVGD: "Class C0"). In summary, the available evidence is currently insufficient to determine the role of this variant in disease. Therefore, it has been classified as a Variant of Uncertain Significance.